The following is an entry in ClinVar:

ClinVar aggregate classification (germline): Uncertain significance (1 of 4 stars; one submission).

Allele frequency attached by ClinVar (database versions not stated): gnomAD exomes below 0.00001.
gnomAD v4.1: 1 of 1,613,812 alleles (0.000062%); highest among the groups gnomAD compares: Non-Finnish European, 0.000085%; no homozygotes.

Submission:

GeneDx
Classification: Uncertain significance. Last evaluated: 2016-11-03. Review status: criteria provided, single submitter. Criteria: GeneDx Variant Classification (06012015). Collection method: clinical testing. Allele origin: germline. Affected: yes.
Comment: The V782M variant has not been published as a pathogenic variant, nor has it been reported as a benign variant to our knowledge. The V782M variant is not observed in large population cohorts (Lek et al., 2016; 1000 Genomes Consortium et al., 2015; Exome Variant Server). This variant is a conservative amino acid substitution, which is not likely to impact secondary protein structure as these residues share similar properties. This substitution occurs at a position where amino acids with similar properties to Valine are tolerated across species. In silico analysis is inconsistent in its predictions as to whether or not the variant is damaging to the protein structure/function.

NM_002180.3(IGHMBP2):c.2344G>A (p.Val782Met)

Gene: IGHMBP2 (immunoglobulin mu DNA binding protein 2; plus strand). Cytogenetic location: 11q13.3.
Variant type: single nucleotide variant.
Coding change: c.2344G>A on transcript NM_002180.3 (MANE Select); coding-DNA position 2344, G replaced by A.
Protein change: p.Val782Met; replaces valine 782 with methionine.
Molecular consequence: missense variant.
Genome position (GRCh38, 1-based): chr11:68,936,824, G>A. VCF-style: chr11-68936824-G-A. GRCh37 (hg19) VCF-style: chr11-68704292-G-A.
Other names: short protein forms V782M.
Identifiers: ClinVar variation 390675 (VCV000390675.2), dbSNP rs1057523857, ClinGen allele CA16606016.